The following is an entry in ClinVar:

NM_000038.6(APC):c.7778A>T (p.Asn2593Ile)

Gene: APC (APC regulator of Wnt signaling pathway; plus strand). Cytogenetic location: 5q22.2.
Variant type: single nucleotide variant.
Coding change: c.7778A>T on transcript NM_000038.6 (MANE Select); coding-DNA position 7778, A replaced by T.
Protein change: p.Asn2593Ile; replaces asparagine 2593 with isoleucine.
Molecular consequence: missense variant. On other transcripts: non-coding transcript variant (2).
Genome position (GRCh38, 1-based): chr5:112,843,372, A>T. VCF-style: chr5-112843372-A-T. GRCh37 (hg19) VCF-style: chr5-112179069-A-T.
Other names: c.7778A>T, p.Asn2593Ile (NM_001127510.3, NM_001354895.2, NM_001407450.1); c.7724A>T, p.Asn2575Ile (NM_001127511.3); c.7832A>T, p.Asn2611Ile (NM_001354896.2, NM_001407447.1, NM_001407448.1 and 1 more transcripts); c.7808A>T, p.Asn2603Ile (NM_001354897.2); c.7703A>T, p.Asn2568Ile (NM_001354898.2); c.7694A>T, p.Asn2565Ile (NM_001354899.2); c.7655A>T, p.Asn2552Ile (NM_001354900.2); c.7601A>T, p.Asn2534Ile (NM_001354901.2, NM_001407453.1); and 11 more; short protein forms N2209I, N2310I, N2492I, N2502I, N2552I, N2565I, N2603I, N2467I.
Identifiers: ClinVar variation 2586986 (VCV002586986.2), dbSNP rs367676584, ClinGen allele CA16038229.

ClinVar aggregate classification (germline): Uncertain significance (1 of 4 stars; one submission).

Conditions:
Hereditary cancer-predisposing syndrome. Also called: Hereditary neoplastic syndrome; Tumor predisposition; Hereditary Cancer Syndrome; Neoplastic Syndromes, Hereditary. Identifiers: Orphanet 140162, MedGen C0027672, MeSH D009386, MONDO:0015356.

Submission:

Ambry Genetics
Classification: Uncertain significance for Hereditary cancer-predisposing syndrome. Last evaluated: 2023-06-23. Review status: criteria provided, single submitter. Criteria: Ambry Variant Classification Scheme 2023. Collection method: clinical testing. Allele origin: germline.
Comment: The p.N2593I variant (also known as c.7778A>T), located in coding exon 15 of the APC gene, results from an A to T substitution at nucleotide position 7778. The asparagine at codon 2593 is replaced by isoleucine, an amino acid with dissimilar properties. This amino acid position is conserved. In addition, in silico predictors for this gene do not accurately predict pathogenicity. Since supporting evidence is limited at this time, the clinical significance of this alteration remains unclear.